The following is an entry in ClinVar:

NM_170606.3(KMT2C):c.1095C>T (p.His365=)

Genes: KMT2C (lysine methyltransferase 2C; minus strand), LOC123956272 (Sharpr-MPRA regulatory region 15588; plus strand). Cytogenetic location: 7q36.1.
Variant type: single nucleotide variant.
Coding change: c.1095C>T on transcript NM_170606.3 (MANE Select); coding-DNA position 1095, C replaced by T.
Protein change: p.His365=; no amino-acid change (histidine 365 retained).
Molecular consequence: synonymous variant.
Genome position (GRCh38, 1-based): chr7:152,265,127, G>A on the plus strand (C>T on the coding strand, the complement: KMT2C is on the minus strand). VCF-style: chr7-152265127-G-A. GRCh37 (hg19) VCF-style: chr7-151962212-G-A.
Identifiers: ClinVar variation 4873585 (VCV004873585.2).

ClinVar aggregate classification (germline): Likely benign (1 of 4 stars; one submission).

Submission:

CeGaT Center for Human Genetics Tuebingen
Classification: Likely benign. Last evaluated: 2026-04-01. Review status: criteria provided, single submitter. Criteria: CeGaT Center For Human Genetics Tuebingen Variant Classification Criteria Version 2. Collection method: clinical testing. Allele origin: germline. Affected: yes. Observed: 1 variant allele.
Comment: KMT2C: BP4, BP7